The following is an entry in ClinVar:

NM_015404.4(WHRN):c.1808G>T (p.Gly603Val)

Gene: WHRN (whirlin; minus strand). Cytogenetic location: 9q32.
Variant type: single nucleotide variant.
Coding change: c.1808G>T on transcript NM_015404.4 (MANE Select); coding-DNA position 1808, G replaced by T.
Protein change: p.Gly603Val; replaces glycine 603 with valine.
Molecular consequence: missense variant.
Genome position (GRCh38, 1-based): chr9:114,406,783, C>A on the plus strand (G>T on the coding strand, the complement: WHRN is on the minus strand). VCF-style: chr9-114406783-C-A. GRCh37 (hg19) VCF-style: chr9-117169063-C-A.
Other names: c.659G>T, p.Gly220Val (NM_001083885.3); c.1808G>T, p.Gly603Val (NM_001173425.2); c.755G>T, p.Gly252Val (NM_001346890.1); c.1808G>T (NM_015404.2); short protein forms G603V, G220V, G252V.
Identifiers: ClinVar variation 236546 (VCV000236546.6), dbSNP rs368141295, ClinGen allele CA5205813.

ClinVar aggregate classification (germline): Uncertain significance. Review status: criteria provided, multiple submitters, no conflicts (2 of 4 stars). 3 submissions from 3 submitters: Uncertain significance (2). 1 of the submissions does not count toward it. Last evaluated 2025-05-05.

Conditions:
Retinal dystrophy. Also called: Inherited retinal dystrophy. Identifiers: Orphanet 71862, MedGen C0854723, MeSH D058499, MONDO:0019118, HP:0000556.

Allele frequency attached by ClinVar (database versions not stated): gnomAD 0.00006; ExAC 0.00005; ESP Exome Variant Server 0.00008; TOPMed 0.00005.
gnomAD v4.1: 149 of 1,613,930 alleles (0.0092%); highest among the groups gnomAD compares: Non-Finnish European, 0.012%; no homozygotes.

Submissions (3):

GeneDx
Classification: Uncertain significance. Last evaluated: 2025-05-05. Review status: criteria provided, single submitter. Criteria: GeneDx Variant Classification Process June 2021. Collection method: clinical testing. Allele origin: germline. Affected: yes.
Comment: Identified in a patient with an inherited retinal disease in published literature (PMID: 27208204); In silico analysis suggests that this missense variant does not alter protein structure/function; In silico analysis suggests this variant may impact gene splicing. In the absence of RNA/functional studies, the actual effect of this sequence change is unknown.; This variant is associated with the following publications: (PMID: 27208204)

Labcorp Genetics (formerly Invitae), Labcorp
Classification: Uncertain significance. Last evaluated: 2023-07-10. Review status: criteria provided, single submitter. Criteria: Invitae Variant Classification Sherloc (09022015). Collection method: clinical testing. Allele origin: germline.
Comment: In summary, the available evidence is currently insufficient to determine the role of this variant in disease. Therefore, it has been classified as a Variant of Uncertain Significance. Algorithms developed to predict the effect of sequence changes on RNA splicing suggest that this variant may create or strengthen a splice site. An algorithm developed to predict the effect of missense changes on protein structure and function (PolyPhen-2) suggests that this variant¬†is likely to be tolerated. This sequence change replaces glycine, which is neutral and non-polar, with valine, which is neutral and non-polar, at codon 603 of the WHRN protein (p.Gly603Val). This variant is present in population databases (rs368141295, gnomAD 0.007%). This missense change has been observed in individual(s) with clinical features of Usher syndrome (PMID: 27208204). ClinVar contains an entry for this variant (Variation ID: 236546).

Centre for Genomic Medicine, Manchester, Central Manchester University Hospitals
Classification: Uncertain significance for Retinal dystrophy. Review status: no assertion criteria provided. Collection method: clinical testing. Allele origin: germline. Affected: yes. Not counted in ClinVar's aggregate classification.

Literature cited by the submitters: PubMed 27208204 (cited by Labcorp Genetics (formerly Invitae), Labcorp).